The following is an entry in ClinVar:

NM_001792.5(CDH2):c.518G>A (p.Arg173Lys)

Gene: CDH2 (cadherin 2; minus strand). Cytogenetic location: 18q12.1.
Variant type: single nucleotide variant.
Coding change: c.518G>A on transcript NM_001792.5 (MANE Select); coding-DNA position 518, G replaced by A.
Protein change: p.Arg173Lys; replaces arginine 173 with lysine.
Molecular consequence: missense variant.
Genome position (GRCh38, 1-based): chr18:28,011,874, C>T on the plus strand (G>A on the coding strand, the complement: CDH2 is on the minus strand). VCF-style: chr18-28011874-C-T. GRCh37 (hg19) VCF-style: chr18-25591838-C-T.
Other names: c.425G>A, p.Arg142Lys (NM_001308176.2); short protein forms R142K, R173K.
Identifiers: ClinVar variation 2748101 (VCV002748101.3), dbSNP rs2510816815, ClinGen allele CA402243793.

ClinVar aggregate classification (germline): Uncertain significance (1 of 4 stars; one submission).

Submission:

Labcorp Genetics (formerly Invitae), Labcorp
Classification: Uncertain significance. Last evaluated: 2023-07-29. Review status: criteria provided, single submitter. Criteria: Invitae Variant Classification Sherloc (09022015). Collection method: clinical testing. Allele origin: germline.
Comment: This sequence change replaces arginine, which is basic and polar, with lysine, which is basic and polar, at codon 173 of the CDH2 protein (p.Arg173Lys). This variant is not present in population databases (gnomAD no frequency). This variant has not been reported in the literature in individuals affected with CDH2-related conditions. In summary, the available evidence is currently insufficient to determine the role of this variant in disease. Therefore, it has been classified as a Variant of Uncertain Significance. An algorithm developed to predict the effect of missense changes on protein structure and function (PolyPhen-2) suggests that this variant is likely to be tolerated.